The following is an entry in ClinVar:

ClinVar aggregate classification (germline): Likely pathogenic (1 of 4 stars; one submission).

Conditions:
Ehlers-Danlos syndrome, classic type, 1 (EDSCL1). Also called: EHLERS-DANLOS SYNDROME, GRAVIS TYPE; EHLERS-DANLOS SYNDROME, SEVERE CLASSIC TYPE; Ehlers-Danlos syndrome, type 1; EDS I; Ehlers-Danlos Syndrome, Classic Type, COL5A1-Related. Identifiers: MedGen C0268335, MONDO:0019567, OMIM 130000.

Submission:

Labcorp Genetics (formerly Invitae), Labcorp
Classification: Likely pathogenic for Ehlers-Danlos syndrome, classic type, 1. Last evaluated: 2022-02-24. Review status: criteria provided, single submitter. Criteria: Invitae Variant Classification Sherloc (09022015). Collection method: clinical testing. Allele origin: germline.
Comment: In summary, the currently available evidence indicates that the variant is pathogenic, but additional data are needed to prove that conclusively. Therefore, this variant has been classified as Likely Pathogenic. Algorithms developed to predict the effect of sequence changes on RNA splicing suggest that this variant may disrupt the consensus splice site. Disruption of this splice site has been observed in individual(s) with clinical features of classical Ehlers-Danlos syndrome (Invitae). This variant is not present in population databases (gnomAD no frequency). This sequence change affects an acceptor splice site in intron 50 of the COL5A1 gene. It is expected to disrupt RNA splicing. Variants that disrupt the donor or acceptor splice site typically lead to a loss of protein function (PMID: 16199547), and loss-of-function variants in COL5A1 are known to be pathogenic (PMID: 23587214).

Literature cited by the submitters: PubMed 16199547; PubMed 23587214.

NM_000093.5(COL5A1):c.4015-1G>A

Gene: COL5A1 (collagen type V alpha 1 chain; plus strand). Cytogenetic location: 9q34.3.
Variant type: single nucleotide variant.
Coding change: c.4015-1G>A on transcript NM_000093.5 (MANE Select); the canonical splice acceptor site of the intron before coding-DNA position 4015, G replaced by A.
Molecular consequence: splice acceptor variant.
Genome position (GRCh38, 1-based): chr9:134,815,575, G>A. VCF-style: chr9-134815575-G-A. GRCh37 (hg19) VCF-style: chr9-137707421-G-A.
Other names: c.4015-1G>A (NM_001278074.1).
Identifiers: ClinVar variation 2090005 (VCV002090005.4), dbSNP rs112682210, ClinGen allele CA375456203.